The following is an entry in ClinVar:

NM_001159699.2(FHL1):c.269C>G (p.Pro90Arg)

Gene: FHL1 (four and a half LIM domains 1; plus strand). Cytogenetic location: Xq26.3.
Variant type: single nucleotide variant.
Coding change: c.269C>G on transcript NM_001159699.2 (MANE Select); coding-DNA position 269, C replaced by G.
Protein change: p.Pro90Arg; replaces proline 90 with arginine.
Molecular consequence: missense variant. On other transcripts: non-coding transcript variant (1).
Genome position (GRCh38, 1-based): chrX:136,207,080, C>G. VCF-style: chrX-136207080-C-G. GRCh37 (hg19) VCF-style: chrX-135289239-C-G.
Other names: c.221C>G, p.Pro74Arg (NM_001159700.2, NM_001159702.3, NM_001159703.2 and 9 more transcripts); c.308C>G, p.Pro103Arg (NM_001159701.2); c.269C>G, p.Pro90Arg (NM_001330659.2); short protein forms P74R, P103R, P90R.
Identifiers: ClinVar variation 3724508 (VCV003724508.2).

ClinVar aggregate classification (germline): Uncertain significance (1 of 4 stars; one submission).

Conditions:
X-linked myopathy with postural muscle atrophy. Also called: FHL1-Related Emery-Dreifuss Muscular Dystrophy, X-Linked. Identifiers: Orphanet 178461, MedGen C2678055, MONDO:0010401, OMIM 300696.

gnomAD v4.1: 8 of 1,211,704 alleles (0.00066%); highest among the groups gnomAD compares: Non-Finnish European, 0.00089%; no homozygotes.

Submission:

Labcorp Genetics (formerly Invitae), Labcorp
Classification: Uncertain significance for X-linked myopathy with postural muscle atrophy. Last evaluated: 2025-11-17. Review status: criteria provided, single submitter. Criteria: Invitae Variant Classification Sherloc (09022015). Collection method: clinical testing. Allele origin: germline.
Comment: This sequence change replaces proline, which is neutral and non-polar, with arginine, which is basic and polar, at codon 74 of the FHL1 protein (p.Pro74Arg). This variant is present in population databases (no rsID available, gnomAD 0.001%). This missense change has been observed in individual(s) with FHL1-related conditions (PMID: 27532257). ClinVar contains an entry for this variant (Variation ID: 3724508). An algorithm developed to predict the effect of missense changes on protein structure and function (PolyPhen-2) suggests that this variant is likely to be disruptive. In summary, the available evidence is currently insufficient to determine the role of this variant in disease. Therefore, it has been classified as a Variant of Uncertain Significance.

Literature cited by the submitters: PubMed 27532257.